The following is an entry in ClinVar:

NM_025144.4(ALPK1):c.323C>T (p.Ala108Val)

Gene: ALPK1 (alpha kinase 1; plus strand). Cytogenetic location: 4q25.
Variant type: single nucleotide variant.
Coding change: c.323C>T on transcript NM_025144.4 (MANE Select); coding-DNA position 323, C replaced by T.
Protein change: p.Ala108Val; replaces alanine 108 with valine.
Molecular consequence: missense variant.
Genome position (GRCh38, 1-based): chr4:112,411,873, C>T. VCF-style: chr4-112411873-C-T. GRCh37 (hg19) VCF-style: chr4-113333029-C-T.
Other names: c.323C>T, p.Ala108Val (NM_001102406.2); c.89C>T, p.Ala30Val (NM_001253884.2); c.323C>T (NM_025144.3); short protein forms A108V, A30V.
Identifiers: ClinVar variation 3611627 (VCV003611627.3).
Genomic context (GRCh38, chr4:112,411,873, plus strand): 5'-CGCTGTTCCTCCAGGCGTCCCTGAGGGCCTCCATCCTCGCTCGGGACTGTGCGGCTGCGG[C>T]GGCTATTGTGTTCTTGGTGGACCGGTTCCTGTATGGGCTCGACGTCTCTGGAAAACTTCT-3'
Protein context (NP_079420.3, residues 98-118): SILARDCAAA[Ala108Val]AIVFLVDRFL

ClinVar aggregate classification (germline): Uncertain significance. Review status: criteria provided, multiple submitters, no conflicts (2 of 4 stars). 2 submissions from 2 submitters: Uncertain significance (2). Last evaluated 2025-07-15.

Conditions:
Inborn genetic diseases. Identifiers: MedGen C0950123, MeSH D030342.

Submissions (2):

Ambry Genetics
Classification: Uncertain significance for Inborn genetic diseases. Last evaluated: 2025-07-15. Review status: criteria provided, single submitter. Criteria: Ambry Variant Classification Scheme 2023. Collection method: clinical testing. Allele origin: germline.

Labcorp Genetics (formerly Invitae), Labcorp
Classification: Uncertain significance. Last evaluated: 2025-05-20. Review status: criteria provided, single submitter. Criteria: Invitae Variant Classification Sherloc (09022015). Collection method: clinical testing. Allele origin: germline.
Comment: This sequence change replaces alanine, which is neutral and non-polar, with valine, which is neutral and non-polar, at codon 108 of the ALPK1 protein (p.Ala108Val). This variant is not present in population databases (gnomAD no frequency). This variant has not been reported in the literature in individuals affected with ALPK1-related conditions. ClinVar contains an entry for this variant (Variation ID: 3611627). Invitae Evidence Modeling of protein sequence and biophysical properties (such as structural, functional, and spatial information, amino acid conservation, physicochemical variation, residue mobility, and thermodynamic stability) indicates that this missense variant is not expected to disrupt ALPK1 protein function with a negative predictive value of 80%. In summary, the available evidence is currently insufficient to determine the role of this variant in disease. Therefore, it has been classified as a Variant of Uncertain Significance.